The following is an entry in ClinVar:

NM_001348768.2(HECW2):c.3864A>C (p.Thr1288=)

Gene: HECW2 (HECT, C2 and WW domain containing E3 ubiquitin protein ligase 2; minus strand). Cytogenetic location: 2q32.3.
Variant type: single nucleotide variant.
Coding change: c.3864A>C on transcript NM_001348768.2 (MANE Select); coding-DNA position 3864, A replaced by C.
Protein change: p.Thr1288=; no amino-acid change (threonine 1288 retained).
Molecular consequence: synonymous variant.
Genome position (GRCh38, 1-based): chr2:196,228,155, T>G on the plus strand (A>C on the coding strand, the complement: HECW2 is on the minus strand). VCF-style: chr2-196228155-T-G. GRCh37 (hg19) VCF-style: chr2-197092879-T-G.
Other names: c.2796A>C, p.Thr932= (NM_001304840.3); c.3864A>C, p.Thr1288= (NM_020760.4).
Identifiers: ClinVar variation 738351 (VCV000738351.6), dbSNP rs61752160, ClinGen allele CA2037638.

ClinVar aggregate classification (germline): Likely benign. Review status: criteria provided, multiple submitters, no conflicts (2 of 4 stars). 3 submissions from 3 submitters: Likely benign (2). 1 of the submissions does not count toward it. Last evaluated 2024-08-19.

Conditions:
HECW2-related disorder. Also called: HECW2-related condition.

Allele frequency attached by ClinVar (database versions not stated): gnomAD 0.00019; TOPMed 0.00026; ESP Exome Variant Server 0.00031.
gnomAD v4.1: 656 of 1,613,532 alleles (0.041%); highest among the groups gnomAD compares: Non-Finnish European, 0.053%; no homozygotes.

Submissions (3):

Blueprint Genetics
Classification: Likely benign. Last evaluated: 2024-08-19. Review status: criteria provided, single submitter. Criteria: ACMG Guidelines, 2015. Collection method: clinical testing. Allele origin: germline.

Labcorp Genetics (formerly Invitae), Labcorp
Classification: Likely benign. Last evaluated: 2018-10-09. Review status: criteria provided, single submitter. Criteria: Invitae Variant Classification Sherloc (09022015). Collection method: clinical testing. Allele origin: germline.

PreventionGenetics, part of Exact Sciences
Classification: Likely benign for HECW2-related condition. Last evaluated: 2019-11-27. Review status: no assertion criteria provided. Collection method: clinical testing. Allele origin: germline. Not counted in ClinVar's aggregate classification.
Comment: This variant is classified as likely benign based on ACMG/AMP sequence variant interpretation guidelines (Richards et al. 2015 PMID: 25741868, with internal and published modifications).